The following is an entry in ClinVar:

ClinVar aggregate classification (germline): Uncertain significance (1 of 4 stars; one submission).

Submission:

Labcorp Genetics (formerly Invitae), Labcorp
Classification: Uncertain significance. Last evaluated: 2023-12-28. Review status: criteria provided, single submitter. Criteria: Invitae Variant Classification Sherloc (09022015). Collection method: clinical testing. Allele origin: germline.
Comment: This sequence change replaces glycine, which is neutral and non-polar, with arginine, which is basic and polar, at codon 178 of the CDK13 protein (p.Gly178Arg). This variant is not present in population databases (gnomAD no frequency). This variant has not been reported in the literature in individuals affected with CDK13-related conditions. Advanced modeling of protein sequence and biophysical properties (such as structural, functional, and spatial information, amino acid conservation, physicochemical variation, residue mobility, and thermodynamic stability) performed at Invitae indicates that this missense variant is not expected to disrupt CDK13 protein function with a negative predictive value of 95%. In summary, the available evidence is currently insufficient to determine the role of this variant in disease. Therefore, it has been classified as a Variant of Uncertain Significance.

NM_003718.5(CDK13):c.532G>C (p.Gly178Arg)

Gene: CDK13 (cyclin dependent kinase 13; plus strand). Cytogenetic location: 7p14.1.
Variant type: single nucleotide variant.
Coding change: c.532G>C on transcript NM_003718.5 (MANE Select); coding-DNA position 532, G replaced by C.
Protein change: p.Gly178Arg; replaces glycine 178 with arginine.
Molecular consequence: missense variant.
Genome position (GRCh38, 1-based): chr7:39,951,173, G>C. VCF-style: chr7-39951173-G-C. GRCh37 (hg19) VCF-style: chr7-39990772-G-C.
Other names: c.532G>C, p.Gly178Arg (NM_031267.4); short protein forms G178R.
Identifiers: ClinVar variation 2706125 (VCV002706125.3), dbSNP rs2116056915, ClinGen allele CA367309931.